The following is an entry in ClinVar:

ClinVar aggregate classification (germline): Uncertain significance (1 of 4 stars; one submission).

Conditions:
Developmental and epileptic encephalopathy 94 (DEE94). Also called: CHD2-Related Neurodevelopmental Disorders; Epileptic encephalopathy, childhood-onset. Identifiers: Orphanet 1942, Orphanet 2382, MedGen C3809278, MONDO:0014150, OMIM 615369.

Allele frequency attached by ClinVar (database versions not stated): ExAC 0.00001; gnomAD exomes 0.00001.
gnomAD v4.1: 7 of 1,610,918 alleles (0.00043%); highest among the groups gnomAD compares: Non-Finnish European, 0.00051%; no homozygotes.

Submission:

Labcorp Genetics (formerly Invitae), Labcorp
Classification: Uncertain significance for Developmental and epileptic encephalopathy 94. Last evaluated: 2023-08-29. Review status: criteria provided, single submitter. Criteria: Invitae Variant Classification Sherloc (09022015). Collection method: clinical testing. Allele origin: germline.
Comment: This variant has not been reported in the literature in individuals affected with CHD2-related conditions. In summary, the available evidence is currently insufficient to determine the role of this variant in disease. Therefore, it has been classified as a Variant of Uncertain Significance. Advanced modeling of protein sequence and biophysical properties (such as structural, functional, and spatial information, amino acid conservation, physicochemical variation, residue mobility, and thermodynamic stability) performed at Invitae indicates that this missense variant is not expected to disrupt CHD2 protein function. This variant is present in population databases (rs762668182, gnomAD 0.005%). This sequence change replaces glutamic acid, which is acidic and polar, with lysine, which is basic and polar, at codon 347 of the CHD2 protein (p.Glu347Lys).

NM_001271.4(CHD2):c.1039G>A (p.Glu347Lys)

Gene: CHD2 (chromodomain helicase DNA binding protein 2; plus strand). Cytogenetic location: 15q26.1.
Variant type: single nucleotide variant.
Coding change: c.1039G>A on transcript NM_001271.4 (MANE Select); coding-DNA position 1039, G replaced by A.
Protein change: p.Glu347Lys; replaces glutamic acid 347 with lysine.
Molecular consequence: missense variant.
Genome position (GRCh38, 1-based): chr15:92,943,055, G>A. VCF-style: chr15-92943055-G-A. GRCh37 (hg19) VCF-style: chr15-93486285-G-A.
Other names: c.1039G>A, p.Glu347Lys (NM_001042572.3); short protein forms E347K.
Identifiers: ClinVar variation 2756298 (VCV002756298.3), dbSNP rs762668182, ClinGen allele CA7747678.